The following is an entry in ClinVar:

ClinVar aggregate classification (germline): Uncertain significance. Review status: criteria provided, multiple submitters, no conflicts (2 of 4 stars). 2 submissions from 2 submitters: Uncertain significance (2). Last evaluated 2021-11-28.

Conditions:
Mitochondrial complex I deficiency, nuclear type 9. Also called: Mitochondrial complex 1 deficiency, nuclear type 9. Identifiers: MedGen C4748767, MONDO:0032615, OMIM 618232.

Allele frequency attached by ClinVar (database versions not stated): gnomAD exomes below 0.00001; gnomAD 0.00002; TOPMed 0.00002.
gnomAD v4.1: 5 of 1,601,670 alleles (0.00031%); highest among the groups gnomAD compares: African/African-American, 0.0013%; no homozygotes.

Submissions (2):

Labcorp Genetics (formerly Invitae), Labcorp
Classification: Uncertain significance. Last evaluated: 2021-11-28. Review status: criteria provided, single submitter. Criteria: Invitae Variant Classification Sherloc (09022015). Collection method: clinical testing. Allele origin: germline.
Comment: This sequence change replaces phenylalanine, which is neutral and non-polar, with tyrosine, which is neutral and polar, at codon 28 of the NDUFS6 protein (p.Phe28Tyr). This variant is present in population databases (no rsID available, gnomAD 0.004%). This variant has not been reported in the literature in individuals affected with NDUFS6-related conditions. Algorithms developed to predict the effect of missense changes on protein structure and function (SIFT, PolyPhen-2, Align-GVGD) all suggest that this variant is likely to be tolerated. In summary, the available evidence is currently insufficient to determine the role of this variant in disease. Therefore, it has been classified as a Variant of Uncertain Significance.

Fulgent Genetics
Classification: Uncertain significance for Mitochondrial complex I deficiency, nuclear type 9. Last evaluated: 2021-07-12. Review status: criteria provided, single submitter. Criteria: ACMG Guidelines, 2015. Collection method: clinical testing. Allele origin: unknown.

NM_004553.6(NDUFS6):c.83T>A (p.Phe28Tyr)

Gene: NDUFS6 (NADH:ubiquinone oxidoreductase subunit S6; plus strand). Cytogenetic location: 5p15.33.
Variant type: single nucleotide variant.
Coding change: c.83T>A on transcript NM_004553.6 (MANE Select); coding-DNA position 83, T replaced by A.
Protein change: p.Phe28Tyr; replaces phenylalanine 28 with tyrosine.
Molecular consequence: missense variant.
Genome position (GRCh38, 1-based): chr5:1,801,500, T>A. VCF-style: chr5-1801500-T-A. GRCh37 (hg19) VCF-style: chr5-1801614-T-A.
Other names: short protein forms F28Y.
Identifiers: ClinVar variation 1414839 (VCV001414839.4), dbSNP rs905716566, ClinGen allele CA113028180.